The following is an entry in ClinVar:

NM_001063.4(TF):c.1904C>T (p.Ser635Leu)

Gene: TF (transferrin; plus strand). Cytogenetic location: 3q22.1.
Variant type: single nucleotide variant.
Coding change: c.1904C>T on transcript NM_001063.4 (MANE Select); coding-DNA position 1904, C replaced by T.
Protein change: p.Ser635Leu; replaces serine 635 with leucine.
Molecular consequence: missense variant.
Genome position (GRCh38, 1-based): chr3:133,777,080, C>T. VCF-style: chr3-133777080-C-T. GRCh37 (hg19) VCF-style: chr3-133495924-C-T.
Other names: c.1772C>T, p.Ser591Leu (NM_001354703.2); c.1523C>T, p.Ser508Leu (NM_001354704.2); short protein forms S508L, S635L, S591L.
Identifiers: ClinVar variation 713199 (VCV000713199.8), dbSNP rs199594823, ClinGen allele CA2625451.
Genomic context (GRCh38, chr3:133,777,080, plus strand): 5'-TCCTCACGGACTTTCTGTTCACTTGACAGCACCTATTTGGAAGCAACGTAACTGACTGCT[C>T]GGGCAACTTTTGTTTGTTCCGGTCGGAAACCAAGGACCTTCTGTTCAGAGATGACACAGT-3'
Protein context (NP_001054.2, residues 625-645): HLFGSNVTDC[Ser635Leu]GNFCLFRSET

ClinVar aggregate classification (germline): Likely benign. Review status: criteria provided, single submitter (1 of 4 stars). 2 submissions from 2 submitters: Likely benign (1). 1 of the submissions does not count toward it. Last evaluated 2026-02-02.

Conditions:
TF-related disorder. Also called: TF-related condition.

Allele frequency attached by ClinVar (database versions not stated): ESP Exome Variant Server 0.00008; gnomAD exomes 0.00010 and 0.00050; gnomAD 0.00017 and 0.00022; TOPMed 0.00031; ExAC 0.00045; 1000 Genomes Project 0.00080; 1000 Genomes Project 30x 0.00094.
gnomAD v4.1: 183 of 1,614,142 alleles (0.011%); highest among the groups gnomAD compares: East Asian, 0.27%; 2 homozygotes.

Submissions (2):

Labcorp Genetics (formerly Invitae), Labcorp
Classification: Likely benign. Last evaluated: 2026-02-02. Review status: criteria provided, single submitter. Criteria: Invitae Variant Classification Sherloc (09022015). Collection method: clinical testing. Allele origin: germline.

PreventionGenetics, part of Exact Sciences
Classification: Likely benign for TF-related condition. Last evaluated: 2020-07-02. Review status: no assertion criteria provided. Collection method: clinical testing. Allele origin: germline. Not counted in ClinVar's aggregate classification.
Comment: This variant is classified as likely benign based on ACMG/AMP sequence variant interpretation guidelines (Richards et al. 2015 PMID: 25741868, with internal and published modifications).